The following is an entry in ClinVar:

NM_198578.4(LRRK2):c.215T>C (p.Met72Thr)

Gene: LRRK2 (leucine rich repeat kinase 2; plus strand). Cytogenetic location: 12q12.
Variant type: single nucleotide variant.
Coding change: c.215T>C on transcript NM_198578.4 (MANE Select); coding-DNA position 215, T replaced by C.
Protein change: p.Met72Thr; replaces methionine 72 with threonine.
Molecular consequence: missense variant.
Genome position (GRCh38, 1-based): chr12:40,225,618, T>C. VCF-style: chr12-40225618-T-C. GRCh37 (hg19) VCF-style: chr12-40619420-T-C.
Other names: short protein forms M72T.
Identifiers: ClinVar variation 881130 (VCV000881130.7), dbSNP rs750946093, ClinGen allele CA6513017.

ClinVar aggregate classification (germline): Uncertain significance. Review status: criteria provided, multiple submitters, no conflicts (2 of 4 stars). 2 submissions from 2 submitters: Uncertain significance (2). Last evaluated 2025-01-11.

Conditions:
Autosomal dominant Parkinson disease 8. Also called: Parkinson disease 8, susceptibility to; LRRK2-Related Parkinson Disease; Parkinson disease 8. Identifiers: Orphanet 411602, MedGen C1846862, MONDO:0011764, OMIM 607060.

Allele frequency attached by ClinVar (database versions not stated): gnomAD 0.00001; ExAC 0.00002; TOPMed 0.00002.
gnomAD v4.1: 13 of 1,613,934 alleles (0.00081%); highest among the groups gnomAD compares: Non-Finnish European, 0.001%; no homozygotes.

Submissions (2):

Labcorp Genetics (formerly Invitae), Labcorp
Classification: Uncertain significance for Autosomal dominant Parkinson disease 8. Last evaluated: 2025-01-11. Review status: criteria provided, single submitter. Criteria: Invitae Variant Classification Sherloc (09022015). Collection method: clinical testing. Allele origin: germline.
Comment: This sequence change replaces methionine, which is neutral and non-polar, with threonine, which is neutral and polar, at codon 72 of the LRRK2 protein (p.Met72Thr). This variant is present in population databases (rs750946093, gnomAD 0.002%). This variant has not been reported in the literature in individuals affected with LRRK2-related conditions. ClinVar contains an entry for this variant (Variation ID: 881130). Invitae Evidence Modeling of protein sequence and biophysical properties (such as structural, functional, and spatial information, amino acid conservation, physicochemical variation, residue mobility, and thermodynamic stability) has been performed for this missense variant. However, the output from this modeling did not meet the statistical confidence thresholds required to predict the impact of this variant on LRRK2 protein function. In summary, the available evidence is currently insufficient to determine the role of this variant in disease. Therefore, it has been classified as a Variant of Uncertain Significance.

Illumina Laboratory Services, Illumina
Classification: Uncertain significance for Autosomal dominant Parkinson disease 8. Last evaluated: 2017-04-28. Review status: criteria provided, single submitter. Criteria: ICSL Variant Classification Criteria 13 December 2019. Collection method: clinical testing. Allele origin: germline.